The following is an entry in ClinVar:

NM_001134831.2(AHI1):c.1062_1064del (p.Arg354_Leu355delinsSer)

Gene: AHI1 (Abelson helper integration site 1; minus strand). Cytogenetic location: 6q23.3.
Variant type: Deletion.
Coding change: c.1062_1064del on transcript NM_001134831.2 (MANE Select); coding-DNA positions 1062 to 1064, 3 bases deleted (ACT; older notation c.1062_1064delACT).
Protein change: p.Arg354_Leu355delinsSer.
Molecular consequence: inframe indel.
Genome position (GRCh38, 1-based): chr6:135,457,581-135,457,583, AGT deleted on the plus strand (ACT on the coding strand, the reverse complement: AHI1 is on the minus strand). VCF-style (leftmost placement, unchanged base first): chr6-135457580-AAGT-A. GRCh37 (hg19) VCF-style: chr6-135778718-AAGT-A.
Other names: c.1062_1064del, p.Arg354_Leu355delinsSer (NM_001134830.2, NM_001134832.2, NM_001350503.2 and 2 more transcripts).
Identifiers: ClinVar variation 4849691 (VCV004849691.1).

ClinVar aggregate classification (germline): Uncertain significance (1 of 4 stars; one submission).

Conditions:
Joubert syndrome 3 (JBTS3). Also called: AHI1-related Ciliopathy. Identifiers: Orphanet 220493, MedGen C1837713, MONDO:0012078, OMIM 608629.

Submission:

Diagnostics Services (NGS), CSIR - Centre For Cellular And Molecular Biology
Classification: Uncertain significance for Joubert syndrome 3. Last evaluated: 2026-01-23. Review status: criteria provided, single submitter. Criteria: ACMG Guidelines, 2015. Collection method: clinical testing. Allele origin: germline. Affected: no. Observed: 2 variant alleles, 2 heterozygotes.
Comment: The c.1062_1064del variant is not present in publicly available population databases like 1000 Genomes, EVS, gnomAD, Indian Exome Database or our internal database. This variant has neither been reported in the literature in individuals affected with AHI1-related conditions nor reported to the clinical databases like Human Genome Mutation Database (HGMD), ClinVar or OMIM in any affected individuals. In-silico pathogenicity prediction programs like MutationTaster2, CADD, etc predicted this variant to be likely deleterious however these predictions were not confirmed by published functional studies. This variant is present in a non-repeat region of the gene which causes in-frame deletion of two amino acids and insertion of a single amino acid that changes the protein length. This variant was identified in a couple as a part of carrier screening.